The following is an entry in ClinVar:

NM_001142864.4(PIEZO1):c.4027GAG[1] (p.Glu1344del)

Gene: PIEZO1 (piezo type mechanosensitive ion channel component 1 (Er blood group); minus strand). Cytogenetic location: 16q24.3.
Variant type: Microsatellite.
Coding change: c.4027GAG[1] on transcript NM_001142864.4 (MANE Select); one copy of the 3-base unit GAG starting at c.4027; the reference has two copies in a row; one copy, 3 bases deleted; also written c.4030_4032del.
Protein change: p.Glu1344del; deletes glutamic acid 1344.
Molecular consequence: inframe deletion. On other transcripts: inframe indel (1).
Genome position (GRCh38, 1-based): chr16:88,725,621-88,725,623, CTC deleted on the plus strand (GAG on the coding strand, the reverse complement: PIEZO1 is on the minus strand); deleting any 3 consecutive bases within chr16:88,725,621-88,725,626 gives the same sequence; the position shown is the placement nearest the transcript's 3' end. VCF-style (leftmost placement, unchanged base first): chr16-88725620-TCTC-T. GRCh37 (hg19) VCF-style: chr16-88792028-TCTC-T.
Other names: c.2569_2571GAG[1], p.Glu858del (NM_014745.1); c.4030_4032del (NM_001142864.4); short protein forms E1344del, E858del.
Identifiers: ClinVar variation 2689710 (VCV002689710.5), dbSNP rs1461753622, ClinGen allele CA497365948.

ClinVar aggregate classification (germline): Conflicting classifications of pathogenicity. Review status: criteria provided, conflicting classifications (1 of 4 stars). 3 submissions from 3 submitters: Pathogenic (1); Uncertain significance (2). Last evaluated 2024-08-16.

Conditions:
Lymphatic malformation 6 (LMPHM6). Also called: PIEZO1-related generalized lymphatic dysplasia with non-immune hydrops fetalis; GENERALIZED LYMPHATIC DYSPLASIA OF FOTIOU; Lymphedema, hereditary, III. Identifiers: Orphanet 568062, MedGen C4225184, MONDO:0014797, OMIM 616843.
PIEZO1-related disorder. Also called: PIEZO1-related condition; PIEZO1-Related Disorders.

Submissions (3):

3billion
Classification: Uncertain significance for Lymphatic malformation 6. Last evaluated: 2024-08-16. Review status: criteria provided, single submitter. Criteria: ACMG Guidelines, 2015. Collection method: clinical testing. Allele origin: germline. Affected: yes.
Comment: The variant is observed at an extremely low frequency in the gnomAD v4.0.0 dataset (total allele frequency: 0.002%). Predicted Consequence/Location: Inframe deletion located in a nonrepeat region: predicted to change the length of the protein and disrupt normal protein function. The variant has been reported as of uncertain significance (ClinVar ID: VCV002689710) Therefore, this variant is classified as VUS according to the recommendation of ACMG/AMP guideline.

Blueprint Genetics
Classification: Pathogenic for PIEZO1-related disorders. Last evaluated: 2023-09-27. Review status: criteria provided, single submitter. Criteria: ACMG Guidelines, 2015. Collection method: clinical testing. Allele origin: germline. Affected: yes. Observed: 2 variant alleles.

Revvity Omics, Revvity
Classification: Uncertain significance. Last evaluated: 2023-06-28. Review status: criteria provided, single submitter. Criteria: ACMG Guidelines, 2015. Collection method: clinical testing. Allele origin: germline.